The following is an entry in ClinVar:

ClinVar aggregate classification (germline): Pathogenic (1 of 4 stars; one submission).

Conditions:
DICER1-related tumor predisposition. Also called: DICER1 syndrome; DICER1-related pleuropulmonary blastoma cancer predisposition syndrome. Identifiers: Orphanet 284343, MedGen C3839822, MONDO:0100216.

Submission:

Labcorp Genetics (formerly Invitae), Labcorp
Classification: Pathogenic for DICER1-related tumor predisposition. Last evaluated: 2020-10-19. Review status: criteria provided, single submitter. Criteria: Invitae Variant Classification Sherloc (09022015). Collection method: clinical testing. Allele origin: germline.
Comment: For these reasons, this variant has been classified as Pathogenic. This variant has not been reported in the literature in individuals with DICER1-related conditions. ClinVar contains an entry for this variant (Variation ID: 220675). This variant is not present in population databases (ExAC no frequency). This sequence change creates a premature translational stop signal (p.Tyr163*) in the DICER1 gene. It is expected to result in an absent or disrupted protein product. Loss-of-function variants in DICER1 are known to be pathogenic (PMID: 19556464, 21266384).

Literature cited by the submitters: PubMed 19556464; PubMed 21266384.

NM_177438.3(DICER1):c.489C>G (p.Tyr163Ter)

Gene: DICER1 (dicer 1, ribonuclease III; minus strand). Cytogenetic location: 14q32.13.
Variant type: single nucleotide variant.
Coding change: c.489C>G on transcript NM_177438.3 (MANE Select); coding-DNA position 489, C replaced by G.
Protein change: p.Tyr163Ter; replaces tyrosine 163 with a stop codon.
Molecular consequence: nonsense.
Genome position (GRCh38, 1-based): chr14:95,130,142, G>C on the plus strand (C>G on the coding strand, the complement: DICER1 is on the minus strand). VCF-style: chr14-95130142-G-C. GRCh37 (hg19) VCF-style: chr14-95596479-G-C.
Other names: c.489C>G, p.Tyr163Ter (NM_001195573.1, NM_001271282.3, NM_001291628.2 and 1 more transcripts); short protein forms Y163*.
Identifiers: ClinVar variation 220675 (VCV000220675.8), dbSNP rs864622626, ClinGen allele CA349806.
Genomic context (GRCh38, chr14:95,130,142, plus strand): 5'-GTCTAGGATTGCAAGATGACACTCATCAAACACCAAAAGGTTAATGTCTGACAGTGATAA[G>C]TAACCATTTTTCAAAACATTCAAGGCGACATAGCAAGTCATAATGAGAACCTAAAATAAA-3'